The following is an entry in ClinVar:

ClinVar aggregate classification (germline): Pathogenic/Likely pathogenic. Review status: criteria provided, multiple submitters, no conflicts (2 of 4 stars). 3 submissions from 3 submitters: Pathogenic (2); Likely pathogenic (1). Last evaluated 2023-08-30.

Conditions:
Cardiac arrhythmia. Also called: Cardiac rhythm disease; Arrhythmia. Identifiers: MedGen C0003811, MONDO:0007263, HP:0011675.
Cardiovascular phenotype. Identifiers: MedGen CN230736.
Short QT syndrome type 3. Identifiers: Orphanet 51083, MedGen C1865018, MONDO:0012314, OMIM 609622.
Andersen Tawil syndrome (LQT7). Also called: PERIODIC PARALYSIS, POTASSIUM-SENSITIVE CARDIODYSRHYTHMIC TYPE; ANDERSEN CARDIODYSRHYTHMIC PERIODIC PARALYSIS; Andersen Syndrome; LONG QT SYNDROME 7; Potassium-sensitive periodic paralysis, ventricular ectopy, and dysmorphic features. Identifiers: Orphanet 37553, MedGen C1563715, MONDO:0008222, OMIM 170390.

Allele frequency attached by ClinVar (database versions not stated): gnomAD exomes below 0.00001.
gnomAD v4.1: 1 of 1,614,114 alleles (0.000062%); highest among the groups gnomAD compares: Non-Finnish European, 0.000085%; no homozygotes.

Submissions (3):

Labcorp Genetics (formerly Invitae), Labcorp
Classification: Pathogenic for Short QT syndrome type 3; Andersen Tawil syndrome. Last evaluated: 2023-08-30. Review status: criteria provided, single submitter. Criteria: Invitae Variant Classification Sherloc (09022015). Collection method: clinical testing. Allele origin: germline.
Comment: For these reasons, this variant has been classified as Pathogenic. This variant disrupts the p.Met307 amino acid residue in KCNJ2. Other variant(s) that disrupt this residue have been observed in individuals with KCNJ2-related conditions (PMID: 17211524, 31567646), which suggests that this may be a clinically significant amino acid residue. Experimental studies have shown that this missense change affects KCNJ2 function (PMID: 32499698). Advanced modeling of protein sequence and biophysical properties (such as structural, functional, and spatial information, amino acid conservation, physicochemical variation, residue mobility, and thermodynamic stability) performed at Invitae indicates that this missense variant is expected to disrupt KCNJ2 protein function. ClinVar contains an entry for this variant (Variation ID: 519476). This missense change has been observed in individual(s) with clinical features of Andersen-Tawil syndrome (PMID: 25847018, 31068157, 31483760, 31567646, 32499698; Invitae). In at least one individual the variant was observed to be de novo. This sequence change replaces methionine, which is neutral and non-polar, with valine, which is neutral and non-polar, at codon 307 of the KCNJ2 protein (p.Met307Val). This variant is not present in population databases (gnomAD no frequency).

Women's Health and Genetics/Laboratory Corporation of America, LabCorp
Classification: Pathogenic for Cardiac arrhythmia. Last evaluated: 2022-07-26. Review status: criteria provided, single submitter. Criteria: LabCorp Variant Classification Summary - May 2015. Collection method: clinical testing. Allele origin: germline.
Comment: Variant summary: KCNJ2 c.919A>G (p.Met307Val) results in a conservative amino acid change located in the Inward rectifier potassium channel, C-terminal domain (IPR041647) of the encoded protein sequence. Four of five in-silico tools predict a damaging effect of the variant on protein function. The variant was absent in 251354 control chromosomes. c.919A>G has been reported in the literature as a de-novo variant/sporadic finding in affected individuals with a report of co-segregation in at-least one family affected with features of Andersen Tawil syndrome (ATS) (example, Liu_2015, Alrashed_2019, Ullah_2019, Luo_2019). These data indicate that the variant is very likely to be associated with disease. At least one publication reports experimental evidence evaluating an impact on protein function (example, Handklo-Jamal_2020). The most pronounced variant effect results in high sensitivity to PIP2 depletion supporting a lability of/impaired PIP2-Kir2.1 interaction. Two clinical diagnostic laboratories have submitted clinical-significance assessments for this variant to ClinVar after 2014 without evidence for independent evaluation. All laboratories classified the variant as pathogenic/likely pathogenic. Based on the evidence outlined above, the variant was classified as pathogenic.

Ambry Genetics
Classification: Likely pathogenic for Cardiovascular phenotype. Last evaluated: 2017-08-17. Review status: criteria provided, single submitter. Criteria: Ambry Variant Classification Scheme 2023. Collection method: clinical testing. Allele origin: germline.
Comment: The p.M307V variant (also known as c.919A>G), located in coding exon 1 of the KCNJ2 gene, results from an A to G substitution at nucleotide position 919. The methionine at codon 307 is replaced by valine, an amino acid with highly similar properties. Another alteration involving the same amino acid, p.M307I (c.921G>A), has been reported to segregate with disease in a Korean family with ATS (Choi BO et al. J. Hum Genet. 2007 Jan;52(3):280-3). This amino acid position is highly conserved in available vertebrate species. In addition, this alteration is predicted to be deleterious by in silico analysis. Based on the majority of available evidence to date, this variant is likely to be pathogenic.

Literature cited by the submitters: PubMed 17211524 (cited by Labcorp Genetics (formerly Invitae), Labcorp and Ambry Genetics); PubMed 31567646 (cited by Labcorp Genetics (formerly Invitae), Labcorp); PubMed 32499698 (cited by Labcorp Genetics (formerly Invitae), Labcorp and Women's Health and Genetics/Laboratory Corporation of America, LabCorp); PubMed 25847018 (cited by 3 submitters); PubMed 31068157 (cited by Labcorp Genetics (formerly Invitae), Labcorp and Women's Health and Genetics/Laboratory Corporation of America, LabCorp); PubMed 31483760 (cited by Labcorp Genetics (formerly Invitae), Labcorp and Women's Health and Genetics/Laboratory Corporation of America, LabCorp); PubMed 31890843 (cited by Women's Health and Genetics/Laboratory Corporation of America, LabCorp); PubMed 32299589 (cited by Women's Health and Genetics/Laboratory Corporation of America, LabCorp).

NM_000891.3(KCNJ2):c.919A>G (p.Met307Val)

Gene: KCNJ2 (potassium inwardly rectifying channel subfamily J member 2; plus strand). Cytogenetic location: 17q24.3.
Variant type: single nucleotide variant.
Coding change: c.919A>G on transcript NM_000891.3 (MANE Select); coding-DNA position 919, A replaced by G.
Protein change: p.Met307Val; replaces methionine 307 with valine.
Molecular consequence: missense variant.
Genome position (GRCh38, 1-based): chr17:70,175,958, A>G. VCF-style: chr17-70175958-A-G. GRCh37 (hg19) VCF-style: chr17-68172099-A-G.
Other names: short protein forms M307V.
Identifiers: ClinVar variation 519476 (VCV000519476.14), dbSNP rs1555603994, ClinGen allele CA400862672.